The following is an entry in ClinVar:

ClinVar aggregate classification (germline): Uncertain significance (1 of 4 stars; one submission).

Conditions:
Developmental and epileptic encephalopathy, 34 (DEE34). Also called: Early infantile epileptic encephalopathy 34; SLC12A5-Related Epilepsy of Infancy with Migrating Focal Seizures. Identifiers: Orphanet 293181, MedGen C4225257, MONDO:0014718, OMIM 616645.

Allele frequency attached by ClinVar (database versions not stated): gnomAD 0.00001; ExAC 0.00002; TOPMed 0.00002; gnomAD exomes 0.00003; ESP Exome Variant Server 0.00008.
gnomAD v4.1: 14 of 1,614,066 alleles (0.00087%); highest among the groups gnomAD compares: Middle Eastern, 0.016%; no homozygotes.

Submission:

Labcorp Genetics (formerly Invitae), Labcorp
Classification: Uncertain significance for Developmental and epileptic encephalopathy, 34. Last evaluated: 2023-10-13. Review status: criteria provided, single submitter. Criteria: Invitae Variant Classification Sherloc (09022015). Collection method: clinical testing. Allele origin: germline.
Comment: This sequence change replaces arginine, which is basic and polar, with leucine, which is neutral and non-polar, at codon 1081 of the SLC12A5 protein (p.Arg1081Leu). This variant is present in population databases (rs376095009, gnomAD 0.01%). This variant has not been reported in the literature in individuals affected with SLC12A5-related conditions. ClinVar contains an entry for this variant (Variation ID: 842453). Advanced modeling of protein sequence and biophysical properties (such as structural, functional, and spatial information, amino acid conservation, physicochemical variation, residue mobility, and thermodynamic stability) performed at Invitae indicates that this missense variant is not expected to disrupt SLC12A5 protein function. In summary, the available evidence is currently insufficient to determine the role of this variant in disease. Therefore, it has been classified as a Variant of Uncertain Significance.

NM_020708.5(SLC12A5):c.3242G>T (p.Arg1081Leu)

Gene: SLC12A5 (solute carrier family 12 member 5; plus strand). Cytogenetic location: 20q13.12.
Variant type: single nucleotide variant.
Coding change: c.3242G>T on transcript NM_020708.5 (MANE Select); coding-DNA position 3242, G replaced by T.
Protein change: p.Arg1081Leu; replaces arginine 1081 with leucine.
Molecular consequence: missense variant.
Genome position (GRCh38, 1-based): chr20:46,057,286, G>T. VCF-style: chr20-46057286-G-T. GRCh37 (hg19) VCF-style: chr20-44685925-G-T.
Other names: c.3311G>T, p.Arg1104Leu (NM_001134771.2); short protein forms R1104L, R1081L.
Identifiers: ClinVar variation 842453 (VCV000842453.6), dbSNP rs376095009, ClinGen allele CA9887845.
Genomic context (GRCh38, chr20:46,057,286, plus strand): 5'-TGAAGAAATCCCGGGACGCCAAGCTTGTTTTGCTCAACATGCCTGGGCCTCCCCGCAACC[G>T]CAATGGTGATGAAAACTGTATCCTGGAATTAAAATTGGGGGAAAGAGGGAGGTGGACGTC-3'
Protein context (NP_065759.1, residues 1071-1091): LLNMPGPPRN[Arg1081Leu]NGDENYMEFL